The following is an entry in ClinVar:

NM_001378615.1(CC2D2A):c.718-10C>T

Genes: CC2D2A (coiled-coil and C2 domain containing 2A; plus strand), FBXL5 (F-box and leucine rich repeat protein 5; minus strand). Cytogenetic location: 4p15.32.
Variant type: single nucleotide variant.
Coding change: c.718-10C>T on transcript NM_001378615.1 (MANE Select); 10 bases into the intron before coding-DNA position 718, C replaced by T.
Molecular consequence: intron variant.
Genome position (GRCh38, 1-based): chr4:15,514,697, C>T. VCF-style: chr4-15514697-C-T. GRCh37 (hg19) VCF-style: chr4-15516320-C-T.
Other names: c.718-10C>T (NM_001080522.2); c.571-10C>T (NM_001378617.1).
Identifiers: ClinVar variation 1134650 (VCV001134650.12), dbSNP rs182383712, ClinGen allele CA2863477.

ClinVar aggregate classification (germline): Likely benign. Review status: criteria provided, multiple submitters, no conflicts (2 of 4 stars). 3 submissions from 3 submitters: Likely benign (3). Last evaluated 2026-07-15.

Conditions:
Joubert syndrome. Also called: JOUBERT-BOLTSHAUSER SYNDROME; Familial aplasia of the vermis. Identifiers: Orphanet 475, MedGen C5979921, MONDO:0018772.
Meckel-Gruber syndrome. Also called: DYSENCEPHALIA SPLANCHNOCYSTICA; GRUBER SYNDROME; Dysencephalia splachnocystica. Identifiers: Orphanet 564, MedGen C0265215, MONDO:0018921.
CC2D2A-related disorder. Also called: CC2D2A-related disorders; CC2D2A-related condition. Identifiers: MedGen CN239313.

Allele frequency attached by ClinVar (database versions not stated): gnomAD exomes 0.00004; ExAC 0.00006; TOPMed 0.00014; gnomAD 0.00015; 1000 Genomes Project 30x 0.00016; 1000 Genomes Project 0.00020.
gnomAD v4.1: 43 of 1,496,966 alleles (0.0029%); highest among the groups gnomAD compares: African/African-American, 0.043%; no homozygotes.

Submissions (4):

PreventionGenetics, part of Exact Sciences
Classification: Likely benign for CC2D2A-related condition. Last evaluated: 2026-07-15. Review status: criteria provided, single submitter. Criteria: ACMG Guidelines, 2015. Collection method: clinical testing. Allele origin: germline.
Comment: This variant is classified as likely benign based on ACMG/AMP sequence variant interpretation guidelines (Richards et al. 2015 PMID: 25741868, with internal and published modifications).

Labcorp Genetics (formerly Invitae), Labcorp
Classification: Likely benign for Joubert syndrome; Meckel-Gruber syndrome. Last evaluated: 2026-01-20. Review status: criteria provided, single submitter. Criteria: Invitae Variant Classification Sherloc (09022015). Collection method: clinical testing. Allele origin: germline.

Blueprint Genetics
Classification: Likely benign. Last evaluated: 2022-10-27. Review status: criteria provided, single submitter. Criteria: ACMG Guidelines, 2015. Collection method: clinical testing. Allele origin: germline.

Dr. Peter K. Rogan Lab, Western University
No classification provided (evidence only). Condition: Acute myeloid leukemia. Review status: no classification provided. Collection method: in vitro. Allele origin: not applicable. Functional consequence: retained intron. Not counted in ClinVar's aggregate classification.